The following is an entry in ClinVar:

NM_001199397.3(NEK1):c.1319G>A (p.Arg440Gln)

Gene: NEK1 (NIMA related kinase 1; minus strand). Cytogenetic location: 4q33.
Variant type: single nucleotide variant.
Coding change: c.1319G>A on transcript NM_001199397.3 (MANE Select); coding-DNA position 1319, G replaced by A.
Protein change: p.Arg440Gln; replaces arginine 440 with glutamine.
Molecular consequence: missense variant. On other transcripts: non-coding transcript variant (1).
Genome position (GRCh38, 1-based): chr4:169,556,043, C>T on the plus strand (G>A on the coding strand, the complement: NEK1 is on the minus strand). VCF-style: chr4-169556043-C-T. GRCh37 (hg19) VCF-style: chr4-170477194-C-T.
Other names: c.1319G>A, p.Arg440Gln (NM_001199398.3, NM_001199400.3, NM_001374418.1 and 2 more transcripts); c.1244G>A, p.Arg415Gln (NM_001199399.3); c.1268G>A, p.Arg423Gln (NM_001374420.1); c.1193G>A, p.Arg398Gln (NM_001374421.1); short protein forms R398Q, R415Q, R440Q, R423Q.
Identifiers: ClinVar variation 2155415 (VCV002155415.4), dbSNP rs368702419, ClinGen allele CA3137769.
Genomic context (GRCh38, chr4:169,556,043, plus strand): 5'-TCTTCTGCTCTTTGTTGCTGCATTTGGTCAAAAATGGCATGGTAATGTTCATACTGTCCT[C>T]GAGAAGAAAAAGATGATGGAGCTATAGTCCCTCCACTGCCCAGAAAAGGAGCCTAGGGAT-3'
Protein context (NP_001186326.1, residues 430-450): GTIAPSSFSS[Arg440Gln]GQYEHYHAIF

ClinVar aggregate classification (germline): Uncertain significance (1 of 4 stars; one submission).

Conditions:
Short-rib thoracic dysplasia 6 with or without polydactyly (SRTD6). Also called: SHORT RIB-POLYDACTYLY SYNDROME, TYPE IIA; SHORT-RIB THORACIC DYSPLASIA 6 WITH POLYDACTYLY; Majewski Syndrome; POLYDACTYLY WITH NEONATAL CHONDRODYSTROPHY, TYPE II; SHORT-RIB THORACIC DYSPLASIA 6 WITHOUT POLYDACTYLY. Identifiers: MedGen C0024507, MONDO:0009894, OMIM 263520.

Allele frequency attached by ClinVar (database versions not stated): ExAC 0.00001; gnomAD 0.00001; gnomAD exomes 0.00001; TOPMed 0.00002; ESP Exome Variant Server 0.00008.
gnomAD v4.1: 12 of 1,613,324 alleles (0.00074%); highest among the groups gnomAD compares: South Asian, 0.0066%; no homozygotes.

Submission:

Labcorp Genetics (formerly Invitae), Labcorp
Classification: Uncertain significance for Short-rib thoracic dysplasia 6 with or without polydactyly. Last evaluated: 2025-01-13. Review status: criteria provided, single submitter. Criteria: Invitae Variant Classification Sherloc (09022015). Collection method: clinical testing. Allele origin: germline.
Comment: This sequence change replaces arginine, which is basic and polar, with glutamine, which is neutral and polar, at codon 440 of the NEK1 protein (p.Arg440Gln). This variant is present in population databases (rs368702419, gnomAD 0.003%). This variant has not been reported in the literature in individuals affected with NEK1-related conditions. ClinVar contains an entry for this variant (Variation ID: 2155415). Invitae Evidence Modeling of protein sequence and biophysical properties (such as structural, functional, and spatial information, amino acid conservation, physicochemical variation, residue mobility, and thermodynamic stability) indicates that this missense variant is not expected to disrupt NEK1 protein function with a negative predictive value of 95%. Algorithms developed to predict the effect of sequence changes on RNA splicing suggest that this variant may disrupt the consensus splice site. In summary, the available evidence is currently insufficient to determine the role of this variant in disease. Therefore, it has been classified as a Variant of Uncertain Significance.